The following is an entry in ClinVar:

ClinVar aggregate classification (germline): Uncertain significance (1 of 4 stars; one submission).

Conditions:
Hypertrophic cardiomyopathy 26. Also called: Cardiomyopathy, familial hypertrophic, 26. Identifiers: Orphanet 75249, MedGen C4310749, MONDO:0014883, OMIM 617047.
Distal myopathy with posterior leg and anterior hand involvement. Also called: WILLIAMS DISTAL MYOPATHY. Identifiers: Orphanet 63273, MedGen C3279722, MONDO:0013550, OMIM 614065.
Myofibrillar myopathy 5. Also called: Filaminopathy (type); FILAMINOPATHY, AUTOSOMAL DOMINANT. Identifiers: Orphanet 171445, MedGen C1836050, MONDO:0012289, OMIM 609524.

gnomAD v4.1: 1 of 1,613,986 alleles (0.000062%); highest among the groups gnomAD compares: East Asian, 0.0022%; no homozygotes.

Submission:

Labcorp Genetics (formerly Invitae), Labcorp
Classification: Uncertain significance for Distal myopathy with posterior leg and anterior hand involvement; Myofibrillar myopathy 5; Hypertrophic cardiomyopathy 26. Last evaluated: 2024-09-03. Review status: criteria provided, single submitter. Criteria: Invitae Variant Classification Sherloc (09022015). Collection method: clinical testing. Allele origin: germline.
Comment: This sequence change replaces proline, which is neutral and non-polar, with leucine, which is neutral and non-polar, at codon 1295 of the FLNC protein (p.Pro1295Leu). This variant is present in population databases (rs758600165, gnomAD 0.006%). This variant has not been reported in the literature in individuals affected with FLNC-related conditions. Invitae Evidence Modeling of protein sequence and biophysical properties (such as structural, functional, and spatial information, amino acid conservation, physicochemical variation, residue mobility, and thermodynamic stability) has been performed for this missense variant. However, the output from this modeling did not meet the statistical confidence thresholds required to predict the impact of this variant on FLNC protein function. In summary, the available evidence is currently insufficient to determine the role of this variant in disease. Therefore, it has been classified as a Variant of Uncertain Significance.

NM_001458.5(FLNC):c.3884C>T (p.Pro1295Leu)

Gene: FLNC (filamin C; plus strand). Cytogenetic location: 7q32.1.
Variant type: single nucleotide variant.
Coding change: c.3884C>T on transcript NM_001458.5 (MANE Select); coding-DNA position 3884, C replaced by T.
Protein change: p.Pro1295Leu; replaces proline 1295 with leucine.
Molecular consequence: missense variant.
Genome position (GRCh38, 1-based): chr7:128,846,083, C>T. VCF-style: chr7-128846083-C-T. GRCh37 (hg19) VCF-style: chr7-128486137-C-T.
Other names: c.3884C>T, p.Pro1295Leu (NM_001127487.2); short protein forms P1295L.
Identifiers: ClinVar variation 3760718 (VCV003760718.2).